The following is an entry in ClinVar:

NM_000256.3(MYBPC3):c.3478A>G (p.Ile1160Val)

Gene: MYBPC3 (myosin binding protein C3; minus strand). Cytogenetic location: 11p11.2.
Variant type: single nucleotide variant.
Coding change: c.3478A>G on transcript NM_000256.3 (MANE Select); coding-DNA position 3478, A replaced by G.
Protein change: p.Ile1160Val; replaces isoleucine 1160 with valine.
Molecular consequence: missense variant.
Genome position (GRCh38, 1-based): chr11:47,332,826, T>C on the plus strand (A>G on the coding strand, the complement: MYBPC3 is on the minus strand). VCF-style: chr11-47332826-T-C. GRCh37 (hg19) VCF-style: chr11-47354377-T-C.
Other names: short protein forms I1160V.
Identifiers: ClinVar variation 4756812 (VCV004756812.2).

ClinVar aggregate classification (germline): Uncertain significance. Review status: criteria provided, multiple submitters, no conflicts (2 of 4 stars). 2 submissions from 2 submitters: Uncertain significance (2). Last evaluated 2026-02-15.

Conditions:
Cardiovascular phenotype. Identifiers: MedGen CN230736.
Cardiomyopathy (CMYO). Also called: Cardiomyopathies. Identifiers: Orphanet 167848, MedGen C0878544, MONDO:0004994, HP:0001638. Inheritance: Various modes of inheritance.

Submissions (2):

Ambry Genetics
Classification: Uncertain significance for Cardiovascular phenotype. Last evaluated: 2026-02-15. Review status: criteria provided, single submitter. Criteria: Ambry Variant Classification Scheme 2023. Collection method: clinical testing. Allele origin: germline.
Comment: The p.I1160V variant (also known as c.3478A>G), located in coding exon 31 of the MYBPC3 gene, results from an A to G substitution at nucleotide position 3478. The isoleucine at codon 1160 is replaced by valine, an amino acid with highly similar properties. This amino acid position is conserved. In addition, the in silico prediction for this alteration is inconclusive. Based on the available evidence, the clinical significance of this variant remains unclear.

Color Diagnostics, LLC DBA Color Health
Classification: Uncertain significance for Cardiomyopathy. Last evaluated: 2025-06-23. Review status: criteria provided, single submitter. Criteria: ACMG Guidelines, 2015. Collection method: clinical testing. Allele origin: germline.
Comment: This missense variant replaces isoleucine with valine at codon 1160 of the MYBPC3 protein. Computational prediction is inconclusive regarding the impact of this variant on protein structure and function. To our knowledge, functional studies have not been reported for this variant. This variant has not been reported in individuals affected with MYBPC3-related disorders in the literature. This variant has not been identified in the general population by the Genome Aggregation Database (gnomAD). The available evidence is insufficient to determine the role of this variant in disease conclusively. Therefore, this variant is classified as a Variant of Uncertain Significance.